The following is an entry in ClinVar:

NM_001083961.2(WDR62):c.1641G>T (p.Thr547=)

Gene: WDR62 (WD repeat domain 62; plus strand). Cytogenetic location: 19q13.12.
Variant type: single nucleotide variant.
Coding change: c.1641G>T on transcript NM_001083961.2 (MANE Select); coding-DNA position 1641, G replaced by T.
Protein change: p.Thr547=; no amino-acid change (threonine 547 retained).
Molecular consequence: synonymous variant.
Genome position (GRCh38, 1-based): chr19:36,084,743, G>T. VCF-style: chr19-36084743-G-T. GRCh37 (hg19) VCF-style: chr19-36575645-G-T.
Other names: c.1641G>T, p.Thr547= (NM_173636.5).
Identifiers: ClinVar variation 194022 (VCV000194022.44), dbSNP rs2301734, ClinGen allele CA200920.

ClinVar aggregate classification (germline): Conflicting classifications of pathogenicity. Review status: criteria provided, conflicting classifications (1 of 4 stars). 7 submissions from 7 submitters: Uncertain significance (1); Benign (1); Likely benign (5). Last evaluated 2025-10-13.

Allele frequency attached by ClinVar (database versions not stated): 1000 Genomes Project 0.00120; 1000 Genomes Project 30x 0.00125.
gnomAD v4.1: 352 of 1,612,916 alleles (0.022%); highest among the groups gnomAD compares: African/African-American, 0.41%; 1 homozygote.

Submissions (7):

Labcorp Genetics (formerly Invitae), Labcorp
Classification: Benign. Last evaluated: 2025-10-13. Review status: criteria provided, single submitter. Criteria: Invitae Variant Classification Sherloc (09022015). Collection method: clinical testing. Allele origin: germline.

Blueprint Genetics
Classification: Likely benign. Last evaluated: 2024-08-09. Review status: criteria provided, single submitter. Criteria: ACMG Guidelines, 2015. Collection method: clinical testing. Allele origin: germline.

CeGaT Center for Human Genetics Tuebingen
Classification: Likely benign. Last evaluated: 2024-06-01. Review status: criteria provided, single submitter. Criteria: CeGaT Center For Human Genetics Tuebingen Variant Classification Criteria Version 2. Collection method: clinical testing. Allele origin: germline. Affected: yes. Observed: 2 variant alleles.
Comment: WDR62: BP4, BP7

GeneDx
Classification: Likely benign. Last evaluated: 2020-09-29. Review status: criteria provided, single submitter. Criteria: GeneDx Variant Classification Process June 2021. Collection method: clinical testing. Allele origin: germline. Affected: yes.

Center for Pediatric Genomic Medicine, Children's Mercy Hospital and Clinics
Classification: Likely benign. Last evaluated: 2017-04-19. Review status: criteria provided, single submitter. Criteria: ACMG Guidelines, 2015. Collection method: clinical testing. Allele origin: germline.

Eurofins Ntd Llc (ga)
Classification: Likely benign. Last evaluated: 2015-05-28. Review status: criteria provided, single submitter. Criteria: EGL Classification Definitions 2015. Collection method: clinical testing. Allele origin: germline. Observed: 2 variant alleles, 1 heterozygote, 1 homozygote.

Genetic Services Laboratory, University of Chicago
Classification: Uncertain significance. Last evaluated: 2014-11-18. Review status: criteria provided, single submitter. Criteria: ACMG Guidelines, 2015. Collection method: clinical testing. Allele origin: germline.